The following is an entry in ClinVar:

NM_001197104.2(KMT2A):c.447A>C (p.Leu149Phe)

Gene: KMT2A (lysine methyltransferase 2A; plus strand). Cytogenetic location: 11q23.3.
Variant type: single nucleotide variant.
Coding change: c.447A>C on transcript NM_001197104.2 (MANE Select); coding-DNA position 447, A replaced by C.
Protein change: p.Leu149Phe; replaces leucine 149 with phenylalanine.
Molecular consequence: missense variant.
Genome position (GRCh38, 1-based): chr11:118,468,789, A>C. VCF-style: chr11-118468789-A-C. GRCh37 (hg19) VCF-style: chr11-118339504-A-C.
Other names: c.546A>C, p.Leu182Phe (NM_001412597.1); c.447A>C, p.Leu149Phe (NM_005933.4); short protein forms L149F, L182F.
Identifiers: ClinVar variation 1720716 (VCV001720716.5), dbSNP rs2496776964, ClinGen allele CA382803488.
Genomic context (GRCh38, chr11:118,468,789, plus strand): 5'-TGCACGTTTTTGCTTCTGATTTTAAAATAATTTTCCTTTGTTGTAGGATGAGCAATTCTT[A>C]GGTTTTGGCTCAGATGAAGAAGTCAGAGTGCGAAGTCCCACAAGGTCTCCTTCAGGTACG-3'
Protein context (NP_001184033.1, residues 139-159): GGGSGEDEQF[Leu149Phe]GFGSDEEVRV

ClinVar aggregate classification (germline): Uncertain significance (1 of 4 stars; one submission).

Allele frequency attached by ClinVar (database versions not stated): gnomAD exomes below 0.00001.
gnomAD v4.1: 1 of 1,612,770 alleles (0.000062%); highest among the groups gnomAD compares: Non-Finnish European, 0.000085%; no homozygotes.

Submission:

Labcorp Genetics (formerly Invitae), Labcorp
Classification: Uncertain significance. Last evaluated: 2022-09-30. Review status: criteria provided, single submitter. Criteria: Invitae Variant Classification Sherloc (09022015). Collection method: clinical testing. Allele origin: germline.
Comment: In summary, the available evidence is currently insufficient to determine the role of this variant in disease. Therefore, it has been classified as a Variant of Uncertain Significance. Advanced modeling of protein sequence and biophysical properties (such as structural, functional, and spatial information, amino acid conservation, physicochemical variation, residue mobility, and thermodynamic stability) has been performed at Invitae for this missense variant, however the output from this modeling did not meet the statistical confidence thresholds required to predict the impact of this variant on KMT2A protein function. This variant has not been reported in the literature in individuals affected with KMT2A-related conditions. This variant is not present in population databases (gnomAD no frequency). This sequence change replaces leucine, which is neutral and non-polar, with phenylalanine, which is neutral and non-polar, at codon 149 of the KMT2A protein (p.Leu149Phe).